The following is an entry in ClinVar:

NM_005898.5(CAPRIN1):c.1919G>A (p.Arg640His)

Gene: CAPRIN1 (cell cycle associated protein 1; plus strand). Cytogenetic location: 11p13.
Variant type: single nucleotide variant.
Coding change: c.1919G>A on transcript NM_005898.5 (MANE Select); coding-DNA position 1919, G replaced by A.
Protein change: p.Arg640His; replaces arginine 640 with histidine.
Molecular consequence: missense variant.
Genome position (GRCh38, 1-based): chr11:34,097,214, G>A. VCF-style: chr11-34097214-G-A. GRCh37 (hg19) VCF-style: chr11-34118761-G-A.
Other names: c.1919G>A, p.Arg640His (NM_203364.3); short protein forms R640H.
Identifiers: ClinVar variation 2576641 (VCV002576641.1), dbSNP rs1590749653, ClinGen allele CA380033642.

ClinVar aggregate classification (germline): Uncertain significance (1 of 4 stars; one submission).

Allele frequency attached by ClinVar (database versions not stated): gnomAD exomes below 0.00001; TOPMed below 0.00001.
gnomAD v4.1: 2 of 1,611,948 alleles (0.00012%); highest among the groups gnomAD compares: East Asian, 0.0022%; no homozygotes.

Submission:

GeneDx
Classification: Uncertain significance. Last evaluated: 2023-02-17. Review status: criteria provided, single submitter. Criteria: GeneDx Variant Classification Process June 2021. Collection method: clinical testing. Allele origin: germline. Affected: yes.
Comment: Not observed at significant frequency in large population cohorts (gnomAD); In silico analysis supports that this missense variant has a deleterious effect on protein structure/function; Has not been previously published as pathogenic or benign to our knowledge